The following is an entry in ClinVar:

NM_001615.4(ACTG2):c.187C>G (p.Arg63Gly)

Gene: ACTG2 (actin gamma 2, smooth muscle; plus strand). Cytogenetic location: 2p13.1.
Variant type: single nucleotide variant.
Coding change: c.187C>G on transcript NM_001615.4 (MANE Select); coding-DNA position 187, C replaced by G.
Protein change: p.Arg63Gly; replaces arginine 63 with glycine.
Molecular consequence: missense variant. On other transcripts: intron variant (1).
Genome position (GRCh38, 1-based): chr2:73,902,420, C>G. VCF-style: chr2-73902420-C-G. GRCh37 (hg19) VCF-style: chr2-74129547-C-G.
Other names: c.126+983C>G (NM_001199893.2); short protein forms R63G.
Identifiers: ClinVar variation 218310 (VCV000218310.3), dbSNP rs864309491, ClinGen allele CA339620.

ClinVar aggregate classification (germline): Pathogenic. Review status: criteria provided, multiple submitters, no conflicts (2 of 4 stars). 3 submissions from 3 submitters: Pathogenic (2). 1 of the submissions does not count toward it. Last evaluated 2016-12-20.

Conditions:
Visceral myopathy 1 (VSCM1). Also called: ACTG2 Visceral Myopathy; Visceral myopathy; Infantile visceral myopathy. Identifiers: Orphanet 2604, MedGen C5542197, MONDO:0020754, OMIM 155310.

Submissions (3):

Center for Human Genetics, Inc
Classification: Pathogenic for Visceral myopathy 1. Last evaluated: 2016-12-20. Review status: criteria provided, single submitter. Criteria: ACMG Guidelines, 2015. Collection method: clinical testing. Allele origin: germline. Affected: yes.

Lupski Lab, Baylor-Hopkins CMG, Baylor College of Medicine
Classification: Pathogenic for Visceral myopathy 1. Last evaluated: 2014-03-27. Review status: criteria provided, single submitter. Criteria: Wangler et al. PLoS Gen 2014. Collection method: research. Allele origin: unknown. Inheritance: Autosomal dominant inheritance. Affected: yes. Observed: 1 heterozygote. Study: MMIHS_WES.

GeneReviews
No classification provided. Condition: Visceral myopathy 1. Review status: no classification provided. Collection method: literature only. Allele origin: germline. Not counted in ClinVar's aggregate classification.
Comment: Insufficient data for genotype-phenotype correlations

Literature cited by the submitters: PubMed 31769566 (cited by GeneReviews); PubMed 26072522 (cited by GeneReviews).